The following is an entry in ClinVar:

ClinVar aggregate classification (germline): Uncertain significance. Review status: criteria provided, multiple submitters, no conflicts (2 of 4 stars). 2 submissions from 2 submitters: Uncertain significance (2). Last evaluated 2026-02-02.

Conditions:
Cardiovascular phenotype. Identifiers: MedGen CN230736.

Allele frequency attached by ClinVar (database versions not stated): gnomAD exomes below 0.00001; gnomAD 0.00001; TOPMed 0.00002.
gnomAD v4.1: 4 of 1,191,008 alleles (0.00034%); highest among the groups gnomAD compares: Non-Finnish European, 0.00045%; no homozygotes.

Submissions (2):

Labcorp Genetics (formerly Invitae), Labcorp
Classification: Uncertain significance. Last evaluated: 2026-02-02. Review status: criteria provided, single submitter. Criteria: Invitae Variant Classification Sherloc (09022015). Collection method: clinical testing. Allele origin: germline.
Comment: This sequence change falls in intron 7 of the BGN gene. It does not directly change the encoded amino acid sequence of the BGN protein. It affects a nucleotide within the consensus splice site. This variant is not present in population databases (gnomAD no frequency). This variant has not been reported in the literature in individuals affected with BGN-related conditions. ClinVar contains an entry for this variant (Variation ID: 2185085). Variants that disrupt the consensus splice site are a relatively common cause of aberrant splicing (PMID: 17576681, 9536098). Algorithms developed to predict the effect of sequence changes on RNA splicing suggest that this variant is not likely to affect RNA splicing. In summary, the available evidence is currently insufficient to determine the role of this variant in disease. Therefore, it has been classified as a Variant of Uncertain Significance.

Ambry Genetics
Classification: Uncertain significance for Cardiovascular phenotype. Last evaluated: 2025-10-22. Review status: criteria provided, single submitter. Criteria: Ambry Variant Classification Scheme 2023. Collection method: clinical testing. Allele origin: germline.
Comment: The c.909+4A>G intronic variant results from an A to G substitution 4 nucleotides after coding exon 6 in the BGN gene. This nucleotide position is well conserved in available vertebrate species. In silico splice site analysis predicts that this alteration will not have any significant effect on splicing. Based on the available evidence, the clinical significance of this variant remains unclear.

Literature cited by the submitters: PubMed 17576681 (cited by Labcorp Genetics (formerly Invitae), Labcorp); PubMed 9536098 (cited by Labcorp Genetics (formerly Invitae), Labcorp).

NM_001711.6(BGN):c.909+4A>G

Gene: BGN (biglycan; plus strand). Cytogenetic location: Xq28.
Variant type: single nucleotide variant.
Coding change: c.909+4A>G on transcript NM_001711.6 (MANE Select); 4 bases into the intron after coding-DNA position 909, A replaced by G.
Molecular consequence: intron variant.
Genome position (GRCh38, 1-based): chrX:153,507,189, A>G. VCF-style: chrX-153507189-A-G. GRCh37 (hg19) VCF-style: chrX-152772647-A-G.
Other names: c.909+4A>G (NM_001711.4).
Identifiers: ClinVar variation 2185085 (VCV002185085.5), dbSNP rs1186564318, ClinGen allele CA645287216.